The following is an entry in ClinVar:

NM_001845.6(COL4A1):c.2285T>C (p.Val762Ala)

Gene: COL4A1 (collagen type IV alpha 1 chain; minus strand). Cytogenetic location: 13q34.
Variant type: single nucleotide variant.
Coding change: c.2285T>C on transcript NM_001845.6 (MANE Select); coding-DNA position 2285, T replaced by C.
Protein change: p.Val762Ala; replaces valine 762 with alanine.
Molecular consequence: missense variant.
Genome position (GRCh38, 1-based): chr13:110,179,330, A>G on the plus strand (T>C on the coding strand, the complement: COL4A1 is on the minus strand). VCF-style: chr13-110179330-A-G. GRCh37 (hg19) VCF-style: chr13-110831677-A-G.
Other names: short protein forms V762A.
Identifiers: ClinVar variation 882178 (VCV000882178.48), dbSNP rs374930028, ClinGen allele CA7047648.

ClinVar aggregate classification (germline): Conflicting classifications of pathogenicity. Review status: criteria provided, conflicting classifications (1 of 4 stars). 9 submissions from 8 submitters: Uncertain significance (2); Likely benign (6). 1 of the submissions does not count toward it. Last evaluated 2026-01-30.

Conditions:
Brain small vessel disease 1 with or without ocular anomalies (BSVD1). Also called: PORENCEPHALY, TYPE 1, AUTOSOMAL DOMINANT; BRAIN SMALL VESSEL DISEASE WITH HEMORRHAGE; GOULD SYNDROME 1; Brain small vessel disease with or without ocular anomalies. Identifiers: Orphanet 2940, Orphanet 36383, Orphanet 99810, MedGen C4755307, MONDO:0008289, OMIM 175780.
Inborn genetic diseases. Identifiers: MedGen C0950123, MeSH D030342.
Autosomal dominant familial hematuria-retinal arteriolar tortuosity-contractures syndrome. Also called: Angiopathy, hereditary, with nephropathy, aneurysms, and muscle cramps; Hereditary Angiopathy with Nephropathy, Aneurysms, and Muscle Cramps (HANAC) Syndrome. Identifiers: Orphanet 73229, MedGen C2673195, MONDO:0012726, OMIM 611773.

Allele frequency attached by ClinVar (database versions not stated): ExAC 0.00007; gnomAD exomes 0.00007; gnomAD 0.00009; TOPMed 0.00009; ESP Exome Variant Server 0.00023.
gnomAD v4.1: 310 of 1,613,896 alleles (0.019%); highest among the groups gnomAD compares: Non-Finnish European, 0.024%; no homozygotes.

Submissions (9):

Labcorp Genetics (formerly Invitae), Labcorp
Classification: Likely benign. Last evaluated: 2026-01-30. Review status: criteria provided, single submitter. Criteria: Invitae Variant Classification Sherloc (09022015). Collection method: clinical testing. Allele origin: germline.

Women's Health and Genetics/Laboratory Corporation of America, LabCorp
Classification: Uncertain significance. Last evaluated: 2025-06-17. Review status: criteria provided, single submitter. Criteria: LabCorp Variant Classification Summary - May 2015. Collection method: clinical testing. Allele origin: germline.
Comment: Variant summary: COL4A1 c.2285T>C (p.Val762Ala) results in a non-conservative amino acid change in the encoded protein sequence. Algorithms developed to predict the effect of missense changes on protein structure and function are either unavailable or do not agree on the potential impact of this missense change. The variant allele was found at a frequency of 6.8e-05 in 251490 control chromosomes (gnomAD). This frequency is not significantly higher than estimated for a pathogenic variant in COL4A1 causing Porencephaly 1, allowing no conclusion about variant significance. To our knowledge, no occurrence of c.2285T>C in individuals affected with Porencephaly 1 and no experimental evidence demonstrating its impact on protein function have been reported. ClinVar contains an entry for this variant (Variation ID: 882178). Based on the evidence outlined above, the variant was classified as uncertain significance.

GeneDx
Classification: Uncertain significance. Last evaluated: 2025-02-11. Review status: criteria provided, single submitter. Criteria: GeneDx Variant Classification Process June 2021. Collection method: clinical testing. Allele origin: germline. Affected: yes.
Comment: Has not been previously published as pathogenic or benign to our knowledge; Occurs in the triple helical domain at the X position in the canonical Gly-X-Y repeat; although this variant may have an effect on normal protein folding and function, missense substitution at the X position is not a common mechanism of disease; In silico analysis indicates that this missense variant does not alter protein structure/function

Ambry Genetics
Classification: Likely benign for Inborn genetic diseases. Last evaluated: 2022-10-26. Review status: criteria provided, single submitter. Criteria: Ambry Variant Classification Scheme 2023. Collection method: clinical testing. Allele origin: germline.

CeGaT Center for Human Genetics Tuebingen
Classification: Likely benign. Last evaluated: 2022-09-01. Review status: criteria provided, single submitter. Criteria: CeGaT Center For Human Genetics Tuebingen Variant Classification Criteria Version 2. Collection method: clinical testing. Allele origin: germline. Affected: yes. Observed: 2 variant alleles.
Comment: COL4A1: BP4, BS2

Johns Hopkins Genomics, Johns Hopkins University
Classification: Likely benign. Last evaluated: 2021-06-07. Review status: criteria provided, single submitter. Criteria: ACMG Guidelines, 2015. Collection method: clinical testing. Allele origin: germline.

Illumina Laboratory Services, Illumina
Classification: Likely benign for Autosomal dominant familial hematuria-retinal arteriolar tortuosity-contractures syndrome. Last evaluated: 2018-01-12. Review status: criteria provided, single submitter. Criteria: ICSL Variant Classification Criteria 13 December 2019. Collection method: clinical testing. Allele origin: germline.
Comment: This variant was observed in the ICSL laboratory as part of a predisposition screen in an ostensibly healthy population. It had not been previously curated by ICSL or reported in the Human Gene Mutation Database (HGMD: prior to June 1st, 2018), and was therefore a candidate for classification through an automated scoring system. Utilizing variant allele frequency, disease prevalence and penetrance estimates, and inheritance mode, an automated score was calculated to assess if this variant is too frequent to cause the disease. Based on the score and internal cut-off values, a variant classified as likely benign is not then subjected to further curation. The score for this variant resulted in a classification of likely benign for this disease.

Illumina Laboratory Services, Illumina
Classification: Likely benign for Brain small vessel disease 1 with or without ocular anomalies. Last evaluated: 2018-01-12. Review status: criteria provided, single submitter. Criteria: ICSL Variant Classification Criteria 13 December 2019. Collection method: clinical testing. Allele origin: germline.
Comment: the same text as in the submission from Illumina Laboratory Services, Illumina above.

Department of Pathology and Laboratory Medicine, Sinai Health System
Classification: Uncertain significance. Review status: no assertion criteria provided. Collection method: clinical testing. Allele origin: unknown. Affected: yes. Study: The Canadian Open Genetics Repository (COGR). Not counted in ClinVar's aggregate classification.
Comment: The COL4A1 p.Val762Ala variant was not identified in the literature nor was it identified in the ClinVar, Cosmic or MutDB databases. The variant was identified in dbSNP (ID: rs374930028) and LOVD 3.0. The variant was identified in control databases in 20 of 282834 chromosomes at a frequency of 0.000071 (Genome Aggregation Database Feb 27, 2017). The variant was observed in the following population: European (Non-Finnish) in 20 of 129168 chromosomes (freq: 0.000155); it was not observed in the African, Latino, Ashkenazi Jewish, East Asian, European (Finnish), Other, and South Asian populations. The p.Val762 residue is not conserved in mammals and five out of five computational analyses (PolyPhen-2, SIFT, AlignGVGD, BLOSUM, MutationTaster) do not suggest a high likelihood of impact to the protein; however, this information is not predictive enough to rule out pathogenicity. In summary, based on the above information the clinical significance of this variant cannot be determined with certainty at this time. This variant is classified as a variant of uncertain significance.